The following is an entry in ClinVar:

ClinVar aggregate classification (germline): Uncertain significance (1 of 4 stars; one submission).

Conditions:
Epilepsy, X-linked 1, with variable learning disabilities and behavior disorders. Also called: X-linked epilepsy-learning disabilities-behavior disorders syndrome. Identifiers: Orphanet 85294, MedGen C5774177, MONDO:0010339, OMIM 300491.

gnomAD v4.1: 2 of 1,211,880 alleles (0.00017%); highest among the groups gnomAD compares: South Asian, 0.0035%; no homozygotes.

Submission:

Labcorp Genetics (formerly Invitae), Labcorp
Classification: Uncertain significance for Epilepsy, X-linked 1, with variable learning disabilities and behavior disorders. Last evaluated: 2024-12-30. Review status: criteria provided, single submitter. Criteria: Invitae Variant Classification Sherloc (09022015). Collection method: clinical testing. Allele origin: germline.
Comment: This sequence change replaces proline, which is neutral and non-polar, with threonine, which is neutral and polar, at codon 669 of the SYN1 protein (p.Pro669Thr). This variant is not present in population databases (gnomAD no frequency). This variant has not been reported in the literature in individuals affected with SYN1-related conditions. Experimental studies and prediction algorithms are not available or were not evaluated, and the functional significance of this variant is currently unknown. In summary, the available evidence is currently insufficient to determine the role of this variant in disease. Therefore, it has been classified as a Variant of Uncertain Significance.

NM_006950.3(SYN1):c.2043C>A (p.Ser681Arg)

Gene: SYN1 (synapsin I; minus strand). Cytogenetic location: Xp11.3.
Variant type: single nucleotide variant.
Coding change: c.2043C>A on transcript NM_006950.3 (MANE Select); coding-DNA position 2043, C replaced by A.
Protein change: p.Ser681Arg; replaces serine 681 with arginine.
Molecular consequence: missense variant.
Genome position (GRCh38, 1-based): chrX:47,572,939, G>T on the plus strand (C>A on the coding strand, the complement: SYN1 is on the minus strand). VCF-style: chrX-47572939-G-T. GRCh37 (hg19) VCF-style: chrX-47432338-G-T.
Other names: c.2005C>A, p.Pro669Thr (NM_133499.2); short protein forms P669T, S681R.
Identifiers: ClinVar variation 3627388 (VCV003627388.2).
Genomic context (GRCh38, chrX:47,572,939, plus strand): 5'-GCTGGCGAAAGACTTCCTCAGGCTGCGGATGGTCTCAGCTTTCACCTCGTCCTGGCTAAG[G>T]CTGGGCCTGGGCGGGGCTGGCTCTGGAAGGTTGAAGGCATTGGTCAGAGACTGGGATTTG-3'
Protein context (NP_008881.2, residues 671-691): NLPEPAPPRP[Ser681Arg]LSQDEVKAET